The following is an entry in ClinVar:

NM_177924.5(ASAH1):c.826T>G (p.Leu276Val)

Gene: ASAH1 (N-acylsphingosine amidohydrolase 1; minus strand). Cytogenetic location: 8p22.
Variant type: single nucleotide variant.
Coding change: c.826T>G on transcript NM_177924.5 (MANE Select); coding-DNA position 826, T replaced by G.
Protein change: p.Leu276Val; replaces leucine 276 with valine.
Molecular consequence: missense variant.
Genome position (GRCh38, 1-based): chr8:18,059,663, A>C on the plus strand (T>G on the coding strand, the complement: ASAH1 is on the minus strand). VCF-style: chr8-18059663-A-C. GRCh37 (hg19) VCF-style: chr8-17917172-A-C.
Other names: c.808T>G, p.Leu270Val (NM_001127505.3); c.631T>G, p.Leu211Val (NM_001363743.2); c.874T>G, p.Leu292Val (NM_004315.6); short protein forms L270V, L211V, L292V, L276V.
Identifiers: ClinVar variation 2057075 (VCV002057075.4), dbSNP rs781668260, ClinGen allele CA370428233.
Genomic context (GRCh38, chr8:18,059,663, plus strand): 5'-GTGTAATCACACAACCTTCCCCAGACTGGTTGCCTCCCAGGATAAAGTAGGCTGGGGCCA[A>C]TATCTTGGTCTTGGTCAATAAATTCTTGGCTTCTTCATAACTATATAGAAACATTTAAAA-3'
Protein context (NP_808592.2, residues 266-286): AKNLLTKTKI[Leu276Val]APAYFILGGN

ClinVar aggregate classification (germline): Uncertain significance (1 of 4 stars; one submission).

Submission:

Labcorp Genetics (formerly Invitae), Labcorp
Classification: Uncertain significance. Last evaluated: 2021-12-24. Review status: criteria provided, single submitter. Criteria: Invitae Variant Classification Sherloc (09022015). Collection method: clinical testing. Allele origin: germline.
Comment: In summary, the available evidence is currently insufficient to determine the role of this variant in disease. Therefore, it has been classified as a Variant of Uncertain Significance. Algorithms developed to predict the effect of missense changes on protein structure and function are either unavailable or do not agree on the potential impact of this missense change (SIFT: "Deleterious"; PolyPhen-2: "Benign"; Align-GVGD: "Class C0"). This variant has not been reported in the literature in individuals affected with ASAH1-related conditions. This variant is not present in population databases (gnomAD no frequency). This sequence change replaces leucine, which is neutral and non-polar, with valine, which is neutral and non-polar, at codon 276 of the ASAH1 protein (p.Leu276Val).